The following is an entry in ClinVar:

ClinVar aggregate classification (germline): Uncertain significance (1 of 4 stars; one submission).

Conditions:
Catecholaminergic polymorphic ventricular tachycardia 1. Also called: VENTRICULAR TACHYCARDIA, CATECHOLAMINERGIC POLYMORPHIC, 1, WITH OR WITHOUT ATRIAL DYSFUNCTION AND/OR DILATED CARDIOMYOPATHY; VENTRICULAR TACHYCARDIA, STRESS-INDUCED POLYMORPHIC 1; RYR2-Related Catecholaminergic Polymorphic Ventricular Tachycardia. Identifiers: Orphanet 3286, MedGen C1631597, MONDO:0011484, OMIM 604772.

Allele frequency attached by ClinVar (database versions not stated): gnomAD exomes below 0.00001.
gnomAD v4.1: 2 of 1,613,876 alleles (0.00012%); highest among the groups gnomAD compares: Non-Finnish European, 0.00017%; no homozygotes.

Submission:

Labcorp Genetics (formerly Invitae), Labcorp
Classification: Uncertain significance for Catecholaminergic polymorphic ventricular tachycardia 1. Last evaluated: 2022-04-08. Review status: criteria provided, single submitter. Criteria: Invitae Variant Classification Sherloc (09022015). Collection method: clinical testing. Allele origin: germline.
Comment: Advanced modeling of protein sequence and biophysical properties (such as structural, functional, and spatial information, amino acid conservation, physicochemical variation, residue mobility, and thermodynamic stability) performed at Invitae indicates that this missense variant is not expected to disrupt RYR2 protein function. This variant has not been reported in the literature in individuals affected with RYR2-related conditions. This variant is present in population databases (no rsID available, gnomAD 0.0009%). This sequence change replaces isoleucine, which is neutral and non-polar, with valine, which is neutral and non-polar, at codon 2427 of the RYR2 protein (p.Ile2427Val). In summary, the available evidence is currently insufficient to determine the role of this variant in disease. Therefore, it has been classified as a Variant of Uncertain Significance.

NM_001035.3(RYR2):c.7279A>G (p.Ile2427Val)

Gene: RYR2 (ryanodine receptor 2; plus strand). Cytogenetic location: 1q43.
Variant type: single nucleotide variant.
Coding change: c.7279A>G on transcript NM_001035.3 (MANE Select); coding-DNA position 7279, A replaced by G.
Protein change: p.Ile2427Val; replaces isoleucine 2427 with valine.
Molecular consequence: missense variant.
Genome position (GRCh38, 1-based): chr1:237,643,384, A>G. VCF-style: chr1-237643384-A-G. GRCh37 (hg19) VCF-style: chr1-237806684-A-G.
Other names: short protein forms I2427V.
Identifiers: ClinVar variation 2123141 (VCV002123141.4), dbSNP rs1298695512, ClinGen allele CA345396975.